The following is an entry in ClinVar:

ClinVar aggregate classification (germline): Likely benign (1 of 4 stars; one submission).

Allele frequency attached by ClinVar (database versions not stated): gnomAD 0.00006; TOPMed 0.00007; ExAC 0.00021.
gnomAD v4.1: 128 of 1,556,484 alleles (0.0082%); highest among the groups gnomAD compares: South Asian, 0.05%; 2 homozygotes.

Submission:

CeGaT Center for Human Genetics Tuebingen
Classification: Likely benign. Last evaluated: 2026-05-01. Review status: criteria provided, single submitter. Criteria: CeGaT Center For Human Genetics Tuebingen Variant Classification Criteria Version 2. Collection method: clinical testing. Allele origin: germline. Affected: yes. Observed: 5 variant alleles.
Comment: WWOX: BP4, BP7

NM_016373.4(WWOX):c.*107G>A

Genes: MAF (MAF bZIP transcription factor; minus strand), WWOX (WW domain containing oxidoreductase; plus strand). Cytogenetic location: 16q23.2.
Variant type: single nucleotide variant.
Coding change: c.*107G>A on transcript NM_016373.4 (MANE Select); 107 bases downstream of the stop codon, G replaced by A.
Molecular consequence: 3 prime UTR variant.
Genome position (GRCh38, 1-based): chr16:79,211,903, G>A. VCF-style: chr16-79211903-G-A. GRCh37 (hg19) VCF-style: chr16-79245800-G-A.
Other names: c.*107G>A (NM_001291997.2).
Identifiers: ClinVar variation 2646888 (VCV002646888.24), dbSNP rs752911892, ClinGen allele CA8183869.